The following is an entry in ClinVar:

ClinVar aggregate classification (germline): Uncertain significance (1 of 4 stars; one submission).

Conditions:
Hypertrophic cardiomyopathy 6. Identifiers: MedGen C1833236, MONDO:0010946, OMIM 600858.

gnomAD v4.1: 1 of 1,606,866 alleles (0.000062%); highest among the groups gnomAD compares: Non-Finnish European, 0.000085%; no homozygotes.

Submission:

Institute of Human Genetics, University of Leipzig Medical Center
Classification: Uncertain significance for Hypertrophic cardiomyopathy 6. Last evaluated: 2025-03-24. Review status: criteria provided, single submitter. Criteria: ACMG Guidelines, 2015. Collection method: clinical testing. Allele origin: unknown. Inheritance: Autosomal dominant inheritance. Affected: yes.
Comment: Criteria applied: PM2_SUP,PP2,PP3

NM_016203.4(PRKAG2):c.863A>C (p.Gln288Pro)

Gene: PRKAG2 (protein kinase AMP-activated non-catalytic subunit gamma 2; minus strand). Cytogenetic location: 7q36.1.
Variant type: single nucleotide variant.
Coding change: c.863A>C on transcript NM_016203.4 (MANE Select); coding-DNA position 863, A replaced by C.
Protein change: p.Gln288Pro; replaces glutamine 288 with proline.
Molecular consequence: missense variant.
Genome position (GRCh38, 1-based): chr7:151,595,346, T>G on the plus strand (A>C on the coding strand, the complement: PRKAG2 is on the minus strand). VCF-style: chr7-151595346-T-G. GRCh37 (hg19) VCF-style: chr7-151292432-T-G.
Other names: c.731A>C, p.Gln244Pro (NM_001040633.2, NM_001407024.1); c.488A>C, p.Gln163Pro (NM_001304527.2, NM_001407029.1); c.140A>C, p.Gln47Pro (NM_001304531.2, NM_001407034.1, NM_001407035.1 and 1 more transcripts); c.491A>C, p.Gln164Pro (NM_001363698.2, NM_001407028.1); c.863A>C, p.Gln288Pro (NM_001407021.1); c.860A>C, p.Gln287Pro (NM_001407022.1, NM_001407023.1); c.728A>C, p.Gln243Pro (NM_001407026.1, NM_001407027.1); c.575A>C, p.Gln192Pro (NM_001407030.1); and 6 more; short protein forms Q163P, Q164P, Q180P, Q182P, Q191P, Q192P, Q243P, Q244P.
Identifiers: ClinVar variation 3778740 (VCV003778740.1).
Genomic context (GRCh38, chr7:151,595,346, plus strand): 5'-TATAAAGTAGTAGCCATCCAAAAAATACCAAAAAATTCATGAAAATGGAGTACACTTACT[T>G]GTAATGTAGTATCAAAGACAACAAGCTTTGAACTGGTTGGAACGATGTCATAACACTTGT-3'
Protein context (NP_057287.2, residues 278-298): SKLVVFDTTL[Gln288Pro]VKKAFFALVA